The following is an entry in ClinVar:

NM_003872.3(NRP2):c.2037G>A (p.Thr679=)

Genes: NRP2 (neuropilin 2; plus strand), LOC126806481 (CDK7 strongly-dependent group 2 enhancer GRCh37_chr2:206617009-206618208; plus strand). Cytogenetic location: 2q33.3.
Variant type: single nucleotide variant.
Coding change: c.2037G>A on transcript NM_003872.3 (MANE Select); coding-DNA position 2037, G replaced by A.
Protein change: p.Thr679=; no amino-acid change (threonine 679 retained).
Molecular consequence: synonymous variant.
Genome position (GRCh38, 1-based): chr2:205,752,968, G>A. VCF-style: chr2-205752968-G-A. GRCh37 (hg19) VCF-style: chr2-206617692-G-A.
Other names: c.2037G>A, p.Thr679= (NM_018534.4, NM_201266.2, NM_201267.2 and 1 more transcripts).
Identifiers: ClinVar variation 3030304 (VCV003030304.2), dbSNP rs762849196, ClinGen allele CA2069294.

ClinVar aggregate classification (germline): Likely benign (0 of 4 stars; one submission).

Conditions:
NRP2-related disorder. Also called: NRP2-related condition.

Allele frequency attached by ClinVar (database versions not stated): ExAC 0.00003; TOPMed 0.00005.
gnomAD v4.1: 41 of 1,613,312 alleles (0.0025%); highest among the groups gnomAD compares: Admixed American, 0.0083%; no homozygotes.

Submission:

PreventionGenetics, part of Exact Sciences
Classification: Likely benign for NRP2-related condition. Last evaluated: 2022-08-31. Review status: no assertion criteria provided. Collection method: clinical testing. Allele origin: germline.
Comment: This variant is classified as likely benign based on ACMG/AMP sequence variant interpretation guidelines (Richards et al. 2015 PMID: 25741868, with internal and published modifications).